The following is an entry in ClinVar:

ClinVar aggregate classification (germline): Uncertain significance. Review status: criteria provided, multiple submitters, no conflicts (2 of 4 stars). 2 submissions from 2 submitters: Uncertain significance (2). Last evaluated 2024-09-11.

Conditions:
Inborn genetic diseases. Identifiers: MedGen C0950123, MeSH D030342.

Allele frequency attached by ClinVar (database versions not stated): gnomAD exomes below 0.00001; ExAC 0.00001; gnomAD 0.00002; TOPMed 0.00002; ESP Exome Variant Server 0.00008.
gnomAD v4.1: 4 of 1,613,772 alleles (0.00025%); highest among the groups gnomAD compares: African/African-American, 0.004%; no homozygotes.

Submissions (2):

Ambry Genetics
Classification: Uncertain significance for Inborn genetic diseases. Last evaluated: 2024-09-11. Review status: criteria provided, single submitter. Criteria: Ambry Variant Classification Scheme 2023. Collection method: clinical testing. Allele origin: germline.

Labcorp Genetics (formerly Invitae), Labcorp
Classification: Uncertain significance. Last evaluated: 2024-03-27. Review status: criteria provided, single submitter. Criteria: Invitae Variant Classification Sherloc (09022015). Collection method: clinical testing. Allele origin: germline.
Comment: This sequence change replaces tyrosine, which is neutral and polar, with cysteine, which is neutral and slightly polar, at codon 2836 of the PCLO protein (p.Tyr2836Cys). This variant is present in population databases (rs368802582, gnomAD 0.007%). This variant has not been reported in the literature in individuals affected with PCLO-related conditions. ClinVar contains an entry for this variant (Variation ID: 2164166). Algorithms developed to predict the effect of missense changes on protein structure and function output the following: SIFT: "Not Available"; PolyPhen-2: "Not Available"; Align-GVGD: "Not Available". The cysteine amino acid residue is found in multiple mammalian species, which suggests that this missense change does not adversely affect protein function. In summary, the available evidence is currently insufficient to determine the role of this variant in disease. Therefore, it has been classified as a Variant of Uncertain Significance.

NM_033026.6(PCLO):c.8507A>G (p.Tyr2836Cys)

Gene: PCLO (piccolo presynaptic cytomatrix protein; minus strand). Cytogenetic location: 7q21.11.
Variant type: single nucleotide variant.
Coding change: c.8507A>G on transcript NM_033026.6 (MANE Select); coding-DNA position 8507, A replaced by G.
Protein change: p.Tyr2836Cys; replaces tyrosine 2836 with cysteine.
Molecular consequence: missense variant.
Genome position (GRCh38, 1-based): chr7:82,952,446, T>C on the plus strand (A>G on the coding strand, the complement: PCLO is on the minus strand). VCF-style: chr7-82952446-T-C. GRCh37 (hg19) VCF-style: chr7-82581762-T-C.
Other names: c.8507A>G (NM_033026.5); c.8507A>G, p.Tyr2836Cys (NM_014510.3); short protein forms Y2836C.
Identifiers: ClinVar variation 2164166 (VCV002164166.5), dbSNP rs368802582, ClinGen allele CA4320111.